The following is an entry in ClinVar:

ClinVar aggregate classification (germline): Uncertain significance (1 of 4 stars; one submission).

gnomAD v4.1: 12 of 1,613,954 alleles (0.00074%); highest among the groups gnomAD compares: Non-Finnish European, 0.00093%; no homozygotes.

Submission:

GeneDx
Classification: Uncertain significance. Last evaluated: 2023-07-19. Review status: criteria provided, single submitter. Criteria: GeneDx Variant Classification Process June 2021. Collection method: clinical testing. Allele origin: germline. Affected: yes.
Comment: Not observed at significant frequency in large population cohorts (gnomAD); In silico analysis supports that this missense variant does not alter protein structure/function; Has not been previously published as pathogenic or benign to our knowledge

NM_001394998.1(TANC2):c.5918A>G (p.Glu1973Gly)

Gene: TANC2 (tetratricopeptide repeat, ankyrin repeat and coiled-coil containing 2; plus strand). Cytogenetic location: 17q23.3.
Variant type: single nucleotide variant.
Coding change: c.5918A>G on transcript NM_001394998.1 (MANE Select); coding-DNA position 5918, A replaced by G.
Protein change: p.Glu1973Gly; replaces glutamic acid 1973 with glycine.
Molecular consequence: missense variant.
Genome position (GRCh38, 1-based): chr17:63,421,648, A>G. VCF-style: chr17-63421648-A-G. GRCh37 (hg19) VCF-style: chr17-61499009-A-G.
Other names: c.5696A>G, p.Glu1899Gly (NM_001411076.1); c.5666A>G, p.Glu1889Gly (NM_025185.4); short protein forms E1889G, E1899G, E1973G.
Identifiers: ClinVar variation 3361145 (VCV003361145.1).
Genomic context (GRCh38, chr17:63,421,648, plus strand): 5'-CAGTGTCATCTGTGGACACCGTCCTCAGTCCCACGTCTCCAGGCAACCTGCCTCAGCCTG[A>G]GTCCTTCAGTCCACCATCATCCATCAGCAACATTGCCTTTTATAACAAAACCAACAATGC-3'
Protein context (NP_001381927.1, residues 1963-1983): PTSPGNLPQP[Glu1973Gly]SFSPPSSISN